The following is an entry in ClinVar:

NM_020232.5(PSMG2):c.518A>G (p.Asp173Gly)

Gene: PSMG2 (proteasome assembly chaperone 2; plus strand). Cytogenetic location: 18p11.21.
Variant type: single nucleotide variant.
Coding change: c.518A>G on transcript NM_020232.5 (MANE Select); coding-DNA position 518, A replaced by G.
Protein change: p.Asp173Gly; replaces aspartic acid 173 with glycine.
Molecular consequence: missense variant.
Genome position (GRCh38, 1-based): chr18:12,720,620, A>G. VCF-style: chr18-12720620-A-G. GRCh37 (hg19) VCF-style: chr18-12720619-A-G.
Other names: c.425A>G, p.Asp142Gly (NM_147163.2); short protein forms D173G, D142G.
Identifiers: ClinVar variation 1465679 (VCV001465679.6), dbSNP rs1056516277, ClinGen allele CA296723810.
Genomic context (GRCh38, chr18:12,720,620, plus strand): 5'-ATAAAATAAAGAGCCTTAACTGGGAAGAAATGGAAAAAAGCCGGTGCATTCCTGAAATAG[A>G]TGATTCCGAGTTTTGTATCCGCATTCCGGGAGGAGGTATCACAAAAACACTCTATGATGA-3'
Protein context (NP_064617.2, residues 163-183): MEKSRCIPEI[Asp173Gly]DSEFCIRIPG

ClinVar aggregate classification (germline): Uncertain significance (1 of 4 stars; one submission).

Submission:

Labcorp Genetics (formerly Invitae), Labcorp
Classification: Uncertain significance. Last evaluated: 2024-10-24. Review status: criteria provided, single submitter. Criteria: Invitae Variant Classification Sherloc (09022015). Collection method: clinical testing. Allele origin: germline.
Comment: This sequence change replaces aspartic acid, which is acidic and polar, with glycine, which is neutral and non-polar, at codon 173 of the PSMG2 protein (p.Asp173Gly). This variant is not present in population databases (gnomAD no frequency). This variant has not been reported in the literature in individuals affected with PSMG2-related conditions. ClinVar contains an entry for this variant (Variation ID: 1465679). An algorithm developed to predict the effect of missense changes on protein structure and function (PolyPhen-2) suggests that this variant is likely to be tolerated. In summary, the available evidence is currently insufficient to determine the role of this variant in disease. Therefore, it has been classified as a Variant of Uncertain Significance.